The following is an entry in ClinVar:

ClinVar aggregate classification (germline): Uncertain significance (1 of 4 stars; one submission).

Submission:

Labcorp Genetics (formerly Invitae), Labcorp
Classification: Uncertain significance. Last evaluated: 2025-07-30. Review status: criteria provided, single submitter. Criteria: Invitae Variant Classification Sherloc (09022015). Collection method: clinical testing. Allele origin: germline.
Comment: This sequence change replaces asparagine, which is neutral and polar, with threonine, which is neutral and polar, at codon 289 of the CPOX protein (p.Asn289Thr). This variant is not present in population databases (gnomAD no frequency). This variant has not been reported in the literature in individuals affected with CPOX-related conditions. Invitae Evidence Modeling of protein sequence and biophysical properties (such as structural, functional, and spatial information, amino acid conservation, physicochemical variation, residue mobility, and thermodynamic stability) indicates that this missense variant is not expected to disrupt CPOX protein function with a negative predictive value of 80%. In summary, the available evidence is currently insufficient to determine the role of this variant in disease. Therefore, it has been classified as a Variant of Uncertain Significance.

NM_000097.7(CPOX):c.866A>C (p.Asn289Thr)

Gene: CPOX (coproporphyrinogen oxidase; minus strand). Cytogenetic location: 3q11.2.
Variant type: single nucleotide variant.
Coding change: c.866A>C on transcript NM_000097.7 (MANE Select); coding-DNA position 866, A replaced by C.
Protein change: p.Asn289Thr; replaces asparagine 289 with threonine.
Molecular consequence: missense variant.
Genome position (GRCh38, 1-based): chr3:98,588,800, T>G on the plus strand (A>C on the coding strand, the complement: CPOX is on the minus strand). VCF-style: chr3-98588800-T-G. GRCh37 (hg19) VCF-style: chr3-98307644-T-G.
Other names: short protein forms N289T.
Identifiers: ClinVar variation 4761314 (VCV004761314.1).